The following is an entry in ClinVar:

NM_000038.6(APC):c.1316C>G (p.Pro439Arg)

Gene: APC (APC regulator of Wnt signaling pathway; plus strand). Cytogenetic location: 5q22.2.
Variant type: single nucleotide variant.
Coding change: c.1316C>G on transcript NM_000038.6 (MANE Select); coding-DNA position 1316, C replaced by G.
Protein change: p.Pro439Arg; replaces proline 439 with arginine.
Molecular consequence: missense variant. On other transcripts: non-coding transcript variant (2).
Genome position (GRCh38, 1-based): chr5:112,821,899, C>G. VCF-style: chr5-112821899-C-G. GRCh37 (hg19) VCF-style: chr5-112157596-C-G.
Other names: c.1316C>G, p.Pro439Arg (NM_001127510.3, NM_001354895.2, NM_001354896.2 and 4 more transcripts); c.1262C>G, p.Pro421Arg (NM_001127511.3); c.1346C>G, p.Pro449Arg (NM_001354897.2, NM_001407446.1); c.1241C>G, p.Pro414Arg (NM_001354898.2, NM_001407451.1); c.1232C>G, p.Pro411Arg (NM_001354899.2, NM_001407452.1); c.1139C>G, p.Pro380Arg (NM_001354900.2, NM_001354901.2, NM_001407453.1); c.1043C>G, p.Pro348Arg (NM_001354902.2); c.1013C>G, p.Pro338Arg (NM_001354903.2, NM_001407454.1, NM_001407455.1 and 5 more transcripts); and 5 more; short protein forms P156R, P279R, P310R, P313R, P338R, P348R, P380R, P411R.
Identifiers: ClinVar variation 4757065 (VCV004757065.1).
Genomic context (GRCh38, chr5:112,821,899, plus strand): 5'-ACATCATTGCTCTTCAAATAACAAAGCATTATGGTTTATGTTGATTTTATTTTTCAGTGC[C>G]AGCTCCTGTTGAACATCAGATCTGTCCTGCTGTGTGTGTTCTAATGAAACTTTCATTTGA-3'
Protein context (NP_000029.2, residues 429-449): PGMDQDKNPM[Pro439Arg]APVEHQICPA

ClinVar aggregate classification (germline): Uncertain significance (1 of 4 stars; one submission).

Conditions:
Hereditary cancer-predisposing syndrome. Also called: Tumor predisposition; Hereditary Cancer Syndrome; Neoplastic Syndromes, Hereditary; Hereditary neoplastic syndrome. Identifiers: Orphanet 140162, MedGen C0027672, MeSH D009386, MONDO:0015356.

Submission:

Color Diagnostics, LLC DBA Color Health
Classification: Uncertain significance for Hereditary cancer-predisposing syndrome. Last evaluated: 2025-06-20. Review status: criteria provided, single submitter. Criteria: ACMG Guidelines, 2015. Collection method: clinical testing. Allele origin: germline.
Comment: This missense variant replaces proline with arginine at codon 439 of the APC protein. Computational prediction is inconclusive regarding the impact of this variant on protein structure and function. To our knowledge, functional studies have not been reported for this variant. This variant has not been reported in individuals affected with APC-related disorders in the literature. This variant has not been identified in the general population by the Genome Aggregation Database (gnomAD). The available evidence is insufficient to determine the role of this variant in disease conclusively. Therefore, this variant is classified as a Variant of Uncertain Significance.